The following is an entry in ClinVar:

ClinVar aggregate classification (germline): Pathogenic/Likely pathogenic. Review status: criteria provided, multiple submitters, no conflicts (2 of 4 stars). 4 submissions from 4 submitters: Pathogenic (3); Likely pathogenic (1). Last evaluated 2023-10-20.

Conditions:
Hereditary cancer-predisposing syndrome. Also called: Neoplastic Syndromes, Hereditary; Tumor predisposition; Hereditary Cancer Syndrome; Hereditary neoplastic syndrome. Identifiers: Orphanet 140162, MedGen C0027672, MeSH D009386, MONDO:0015356.
Hereditary nonpolyposis colorectal neoplasms. Identifiers: MedGen C0009405, MeSH D003123.
Lynch syndrome 4 (LYNCH4). Also called: Colorectal cancer, hereditary nonpolyposis, type 4; Hereditary non-polyposis colorectal cancer, type 4. Identifiers: Orphanet 144, MedGen C1838333, MONDO:0013699, OMIM 614337. Disease mechanism: loss of function.

Submissions (4):

Labcorp Genetics (formerly Invitae), Labcorp
Classification: Pathogenic for Hereditary nonpolyposis colorectal neoplasms. Last evaluated: 2023-10-20. Review status: criteria provided, single submitter. Criteria: Invitae Variant Classification Sherloc (09022015). Collection method: clinical testing. Allele origin: germline.
Comment: This sequence change creates a premature translational stop signal (p.Cys27Alafs*7) in the PMS2 gene. It is expected to result in an absent or disrupted protein product. Loss-of-function variants in PMS2 are known to be pathogenic (PMID: 21376568, 24362816). This variant is not present in population databases (gnomAD no frequency). This variant has not been reported in the literature in individuals affected with PMS2-related conditions. ClinVar contains an entry for this variant (Variation ID: 1761572). Algorithms developed to predict the effect of sequence changes on RNA splicing suggest that this variant may disrupt the consensus splice site. For these reasons, this variant has been classified as Pathogenic.

Myriad Genetics, Inc.
Classification: Pathogenic for Lynch syndrome 4. Last evaluated: 2023-09-18. Review status: criteria provided, single submitter. Criteria: Myriad Autosomal Dominant, Autosomal Recessive and X-Linked Classification Criteria (2023). Collection method: clinical testing. Allele origin: unknown.
Comment: This variant is considered pathogenic. This variant creates a frameshift predicted to result in premature protein truncation.

Baylor Genetics
Classification: Likely pathogenic for Lynch syndrome 4. Last evaluated: 2023-06-18. Review status: criteria provided, single submitter. Criteria: ACMG Guidelines, 2015. Collection method: clinical testing. Allele origin: unknown.

Ambry Genetics
Classification: Pathogenic for Hereditary cancer-predisposing syndrome. Last evaluated: 2021-09-13. Review status: criteria provided, single submitter. Criteria: Ambry Variant Classification Scheme 2023. Collection method: clinical testing. Allele origin: germline.
Comment: The c.79delT pathogenic mutation, located in coding exon 2 of the PMS2 gene, results from a deletion of one nucleotide at nucleotide position 79, causing a translational frameshift with a predicted alternate stop codon (p.C27Afs*7). This alteration is expected to result in loss of function by premature protein truncation or nonsense-mediated mRNA decay. As such, this alteration is interpreted as a disease-causing mutation.

Literature cited by the submitters: PubMed 21376568 (cited by Labcorp Genetics (formerly Invitae), Labcorp); PubMed 24362816 (cited by Labcorp Genetics (formerly Invitae), Labcorp).

NM_000535.7(PMS2):c.79del (p.Cys27fs)

Gene: PMS2 (PMS1 homolog 2, mismatch repair system component; minus strand). Cytogenetic location: 7p22.1.
Variant type: Deletion.
Coding change: c.79del on transcript NM_000535.7 (MANE Select); coding-DNA position 79, one base deleted (T; older notation c.79delT).
Protein change: p.Cys27fs; shifts the reading frame from cysteine 27.
Molecular consequence: frameshift variant. On other transcripts: non-coding transcript variant (1), intron variant (3), 5 prime UTR variant (8).
Genome position (GRCh38, 1-based): chr7:6,005,976, A deleted on the plus strand (T on the coding strand, the reverse complement: PMS2 is on the minus strand); the first of 3 consecutive A bases (chr7:6,005,976-6,005,978); deleting any one gives the same sequence. VCF-style (leftmost placement, unchanged base first): chr7-6005975-CA-C. GRCh37 (hg19) VCF-style: chr7-6045606-CA-C.
Other names: c.79delT (NM_000535.5); c.-305delT (NM_001406900.1); c.-139delT (NM_001406901.1, NM_001406902.1, NM_001406903.1 and 3 more transcripts); c.-276delT (NM_001406904.1, NM_001406907.1, NM_001406909.1 and 5 more transcripts); c.-329delT (NM_001406905.1, NM_001406906.1, NM_001406908.1 and 7 more transcripts); c.77delT, p.Cys27Alafs (NM_001406912.1, NM_001406868.1, NM_001406869.1 and 8 more transcripts); c.-52-1918del (NM_001322008.2); c.-242-1918del (NM_001322010.2, NM_001322004.2); and 9 more; short protein forms C27fs.
Identifiers: ClinVar variation 1761572 (VCV001761572.9), dbSNP rs2536588880, ClinGen allele CA2578823989.